The following is an entry in ClinVar:

ClinVar aggregate classification (germline): Uncertain significance. Review status: reviewed by expert panel (3 of 4 stars). 2 submissions from 2 submitters: Uncertain significance (1). 1 of the submissions does not count toward it. Last evaluated 2024-09-12.

Conditions:
Hereditary thrombocytopenia and hematologic cancer predisposition syndrome. Identifiers: Orphanet 71290, MedGen CN281654, MONDO:0011071.
Hereditary thrombocytopenia and hematological cancer predisposition syndrome associated with RUNX1. Also called: RUNX1 Familial Platelet Disorder with Associated Myeloid Malignancies; PLATELET DISORDER, ASPIRIN-LIKE; Familial Platelet Disorder with Propensity to Acute Myelogenous Leukemia; Familial thrombocytopenia with propensity to acute myelogenous leukemia. Identifiers: Orphanet 71290, MedGen C1832388, MeSH C563324, MONDO:0100083, OMIM 601399.

Submissions (2):

ClinGen Myeloid Malignancy Variant Curation Expert Panel
Classification: Uncertain significance for Hereditary thrombocytopenia and hematologic cancer predisposition syndrome. Last evaluated: 2024-09-12. Review status: reviewed by expert panel. Criteria: ClinGen MyeloMalig ACMG Specifications v2. Collection method: curation. Allele origin: germline. Inheritance: Autosomal dominant inheritance.
Comment: NM_001754.5(RUNX1):c.1378A>G (p.Ser460Gly) is a missense variant which is absent from gnomAD v2, v3, and v4 (PM2_Supporting) and has not been reported in the literature. The computational predictor REVEL gives a score of 0.277, below the threshold of 0.50, and the splice site predictor SpliceAI indicates that the variant has no impact on splicing, providing evidence that does not predict a damaging effect on RUNX1 function (BP4). In summary, this variant meets the criteria to be classified as a variant of uncertain significance (VUS) for autosomal dominant hereditary thrombocytopenia and hematologic cancer predisposition syndrome. ACMG/AMP criteria applied, as specified by the ClinGen Myeloid Malignancy VCEP: PM2_Supporting and BP4.

Labcorp Genetics (formerly Invitae), Labcorp
Classification: Uncertain significance for Hereditary thrombocytopenia and hematological cancer predisposition syndrome associated with RUNX1. Last evaluated: 2019-12-22. Review status: criteria provided, single submitter. Criteria: Invitae Variant Classification Sherloc (09022015). Collection method: clinical testing. Allele origin: germline. Not counted in ClinVar's aggregate classification.
Comment: Algorithms developed to predict the effect of missense changes on protein structure and function are either unavailable or do not agree on the potential impact of this missense change (SIFT: "Tolerated"; PolyPhen-2: "Probably Damaging"; Align-GVGD: "Class C0"). This variant has not been reported in the literature in individuals with RUNX1-related conditions. The frequency data for this variant in the population databases is considered unreliable, as metrics indicate insufficient coverage at this position in the ExAC database. This sequence change replaces serine with glycine at codon 460 of the RUNX1 protein (p.Ser460Gly). The serine residue is highly conserved and there is a small physicochemical difference between serine and glycine. In summary, the available evidence is currently insufficient to determine the role of this variant in disease. Therefore, it has been classified as a Variant of Uncertain Significance.

NM_001754.5(RUNX1):c.1378A>G (p.Ser460Gly)

Gene: RUNX1 (RUNX family transcription factor 1; minus strand). Cytogenetic location: 21q22.12.
Variant type: single nucleotide variant.
Coding change: c.1378A>G on transcript NM_001754.5 (MANE Select); coding-DNA position 1378, A replaced by G.
Protein change: p.Ser460Gly; replaces serine 460 with glycine.
Molecular consequence: missense variant.
Genome position (GRCh38, 1-based): chr21:34,792,200, T>C on the plus strand (A>G on the coding strand, the complement: RUNX1 is on the minus strand). VCF-style: chr21-34792200-T-C. GRCh37 (hg19) VCF-style: chr21-36164497-T-C.
Other names: NM_001754.5(RUNX1):c.1378A>G; p.Ser460Gly; c.1297A>G, p.Ser433Gly (NM_001001890.3); short protein forms S460G, S433G.
Identifiers: ClinVar variation 855888 (VCV000855888.11), dbSNP rs2056448645, ClinGen allele CA410147021.